The following is an entry in ClinVar:

ClinVar aggregate classification (germline): Pathogenic (1 of 4 stars; one submission).

Submission:

Athena Diagnostics
Classification: Pathogenic. Last evaluated: 2025-10-29. Review status: criteria provided, single submitter. Criteria: Athena Diagnostics Criteria. Collection method: clinical testing. Allele origin: unknown.
Comment: This variant is expected to result in the loss of a functional protein. Similar deletions of exons 48-54 have been reported primarily in patients with Duchenne muscular dystrophy (DMD), and also in a few individuals with Becker muscular dystrophy (BMD; PMID: 29976999, 31443951). Deletion of exon 48-54 has not been reported in large, multi-ethnic general populations (Genome Aggregation Database (gnomAD), Cambridge, MA (URL)).

Literature cited by the submitters: PubMed 31139960; PubMed 32194622; PubMed 23438214; PubMed 25972034; PubMed 36361501; PubMed 25482253; PubMed 27750387; PubMed 31443951; PubMed 31705731; PubMed 9800909; PubMed 15655674; PubMed 20036901; PubMed 1864612; PubMed 19937601; PubMed 2585468; PubMed 11388892; PubMed 33960727; PubMed 17854090; PubMed 29976999; PubMed 32962870; PubMed 38195599; PubMed 26968818; PubMed 19367636; PubMed 33101180; PubMed 20485447.

Single allele

Gene: DMD (dystrophin; minus strand). Cytogenetic location: Xp21.1.
Variant type: Deletion.
Identifiers: ClinVar variation 4682462 (VCV004682462.1).